The following is an entry in ClinVar:

ClinVar aggregate classification (germline): Uncertain significance (1 of 4 stars; one submission).

Conditions:
Long QT syndrome 10 (LQT10). Identifiers: Orphanet 101016, Orphanet 768, MedGen C2678484, MONDO:0012737, OMIM 611819.

gnomAD v4.1: 6 of 1,613,998 alleles (0.00037%); highest among the groups gnomAD compares: Non-Finnish European, 0.00051%; no homozygotes.

Submission:

Labcorp Genetics (formerly Invitae), Labcorp
Classification: Uncertain significance for Long QT syndrome 10. Last evaluated: 2025-05-15. Review status: criteria provided, single submitter. Criteria: Invitae Variant Classification Sherloc (09022015). Collection method: clinical testing. Allele origin: germline.
Comment: This sequence change replaces valine, which is neutral and non-polar, with leucine, which is neutral and non-polar, at codon 27 of the SCN4B protein (p.Val27Leu). This variant is present in population databases (rs768656007, gnomAD 0.002%). This variant has not been reported in the literature in individuals affected with SCN4B-related conditions. An algorithm developed to predict the effect of missense changes on protein structure and function (PolyPhen-2) suggests that this variant is likely to be tolerated. Algorithms developed to predict the effect of sequence changes on RNA splicing suggest that this variant may disrupt the consensus splice site. In summary, the available evidence is currently insufficient to determine the role of this variant in disease. Therefore, it has been classified as a Variant of Uncertain Significance.

NM_174934.4(SCN4B):c.79G>C (p.Val27Leu)

Gene: SCN4B (sodium voltage-gated channel beta subunit 4; minus strand). Cytogenetic location: 11q23.3.
Variant type: single nucleotide variant.
Coding change: c.79G>C on transcript NM_174934.4 (MANE Select); coding-DNA position 79, G replaced by C.
Protein change: p.Val27Leu; replaces valine 27 with leucine.
Molecular consequence: missense variant. On other transcripts: 5 prime UTR variant (1), non-coding transcript variant (1), intron variant (1).
Genome position (GRCh38, 1-based): chr11:118,145,212, C>G on the plus strand (G>C on the coding strand, the complement: SCN4B is on the minus strand). VCF-style: chr11-118145212-C-G. GRCh37 (hg19) VCF-style: chr11-118015927-C-G.
Other names: c.-252G>C (NM_001142349.2); c.62-3876G>C (NM_001142348.2); short protein forms V27L.
Identifiers: ClinVar variation 4746702 (VCV004746702.1).
Genomic context (GRCh38, chr11:118,145,212, plus strand): 5'-TGCCATTGACAGCGTAGATGTCGGTGGCCTTTCCCACAGACACCTCCAGCGACAGGGTTA[C>G]GGGGAGCAGGAAGAGGCCTGTGTAAGGAGCACCGCCTCCCTTAATAAAACCCCACCAGCC-3'
Protein context (NP_777594.1, residues 17-37): TGLLGLFLLP[Val27Leu]TLSLEVSVGK